The following is an entry in ClinVar:

NM_003922.4(HERC1):c.7170T>C (p.Ala2390=)

Gene: HERC1 (HECT and RLD domain containing E3 ubiquitin protein ligase family member 1; minus strand). Cytogenetic location: 15q22.31.
Variant type: single nucleotide variant.
Coding change: c.7170T>C on transcript NM_003922.4 (MANE Select); coding-DNA position 7170, T replaced by C.
Protein change: p.Ala2390=; no amino-acid change (alanine 2390 retained).
Molecular consequence: synonymous variant.
Genome position (GRCh38, 1-based): chr15:63,675,018, A>G on the plus strand (T>C on the coding strand, the complement: HERC1 is on the minus strand). VCF-style: chr15-63675018-A-G. GRCh37 (hg19) VCF-style: chr15-63967217-A-G.
Other names: c.7170T>C (NM_003922.3).
Identifiers: ClinVar variation 1665877 (VCV001665877.10), dbSNP rs762145494, ClinGen allele CA7605193.
Genomic context (GRCh38, chr15:63,675,018, plus strand): 5'-GCTCTGTTTGCCCATGTCTTCATGAACGCCAGTGAGATATGTTAGGTCCAGCAGCACAGA[A>G]GCCGTCAGGCCTCGGAATCGCGCCACATCAAACGGCAATGGTTCACAGGGTTCCAGATTA-3'
Protein context (NP_003913.3, residues 2380-2400): FDVARFRGLT[Ala2390=]SVLLDLTYLT

ClinVar aggregate classification (germline): Likely benign. Review status: criteria provided, single submitter (1 of 4 stars). 2 submissions from 2 submitters: Likely benign (1). 1 of the submissions does not count toward it. Last evaluated 2024-09-01.

Conditions:
HERC1-related disorder. Also called: HERC1-related condition.

Allele frequency attached by ClinVar (database versions not stated): gnomAD 0.00001; gnomAD exomes 0.00003; TOPMed 0.00004; ExAC 0.00017.
gnomAD v4.1: 47 of 1,613,916 alleles (0.0029%); highest among the groups gnomAD compares: Admixed American, 0.077%; no homozygotes.

Submissions (2):

Labcorp Genetics (formerly Invitae), Labcorp
Classification: Likely benign. Last evaluated: 2024-09-01. Review status: criteria provided, single submitter. Criteria: Invitae Variant Classification Sherloc (09022015). Collection method: clinical testing. Allele origin: germline.

PreventionGenetics, part of Exact Sciences
Classification: Likely benign for HERC1-related condition. Last evaluated: 2024-01-03. Review status: no assertion criteria provided. Collection method: clinical testing. Allele origin: germline. Not counted in ClinVar's aggregate classification.
Comment: This variant is classified as likely benign based on ACMG/AMP sequence variant interpretation guidelines (Richards et al. 2015 PMID: 25741868, with internal and published modifications).